The following is an entry in ClinVar:

ClinVar aggregate classification (germline): Uncertain significance. Review status: criteria provided, multiple submitters, no conflicts (2 of 4 stars). 3 submissions from 3 submitters: Uncertain significance (3). Last evaluated 2025-12-30.

Allele frequency attached by ClinVar (database versions not stated): ESP Exome Variant Server 0.00008; ExAC 0.00003; gnomAD 0.00014 and 0.00013; 1000 Genomes Project 0.00020; 1000 Genomes Project 30x 0.00031; TOPMed 0.00011.

Submissions (3):

GeneDx
Classification: Uncertain significance. Last evaluated: 2025-12-30. Review status: criteria provided, single submitter. Criteria: GeneDx Variant Classification Process June 2021. Collection method: clinical testing. Allele origin: germline. Affected: yes.
Comment: Has not been previously published as pathogenic or benign to our knowledge; In silico analysis suggests that this missense variant does not alter protein structure/function

Ambry Genetics
Classification: Uncertain significance. Last evaluated: 2025-02-19. Review status: criteria provided, single submitter. Criteria: Ambry Variant Classification Scheme 2023. Collection method: clinical testing. Allele origin: germline.

Labcorp Genetics (formerly Invitae), Labcorp
Classification: Uncertain significance. Last evaluated: 2022-09-26. Review status: criteria provided, single submitter. Criteria: Invitae Variant Classification Sherloc (09022015). Collection method: clinical testing. Allele origin: germline.
Comment: This sequence change replaces arginine, which is basic and polar, with glutamine, which is neutral and polar, at codon 874 of the SBF1 protein (p.Arg874Gln). This variant is present in population databases (rs370650062, gnomAD 0.05%). This variant has not been reported in the literature in individuals affected with SBF1-related conditions. ClinVar contains an entry for this variant (Variation ID: 1313969). Advanced modeling of protein sequence and biophysical properties (such as structural, functional, and spatial information, amino acid conservation, physicochemical variation, residue mobility, and thermodynamic stability) performed at Invitae indicates that this missense variant is not expected to disrupt SBF1 protein function. In summary, the available evidence is currently insufficient to determine the role of this variant in disease. Therefore, it has been classified as a Variant of Uncertain Significance.

NM_002972.4(SBF1):c.2621G>A (p.Arg874Gln)

Gene: SBF1 (SET binding factor 1; minus strand). Cytogenetic location: 22q13.33.
Variant type: single nucleotide variant.
Coding change: c.2621G>A on transcript NM_002972.4 (MANE Select); coding-DNA position 2621, G replaced by A.
Protein change: p.Arg874Gln; replaces arginine 874 with glutamine.
Molecular consequence: missense variant.
Genome position (GRCh38, 1-based): chr22:50,461,818, C>T on the plus strand (G>A on the coding strand, the complement: SBF1 is on the minus strand). VCF-style: chr22-50461818-C-T. GRCh37 (hg19) VCF-style: chr22-50900247-C-T.
Other names: c.2624G>A, p.Arg875Gln (NM_001365819.1); short protein forms R874Q, R875Q.
Identifiers: ClinVar variation 1313969 (VCV001313969.5), dbSNP rs370650062, ClinGen allele CA10317139.